The following is an entry in ClinVar:

ClinVar aggregate classification (germline): Uncertain significance. Review status: criteria provided, multiple submitters, no conflicts (2 of 4 stars). 2 submissions from 2 submitters: Uncertain significance (2). Last evaluated 2024-07-12.

Conditions:
Cardiovascular phenotype. Identifiers: MedGen CN230736.

Submissions (2):

Ambry Genetics
Classification: Uncertain significance for Cardiovascular phenotype. Last evaluated: 2024-07-12. Review status: criteria provided, single submitter. Criteria: Ambry Variant Classification Scheme 2023. Collection method: clinical testing. Allele origin: germline.
Comment: The p.A259V variant (also known as c.776C>T), located in coding exon 7 of the MYH7 gene, results from a C to T substitution at nucleotide position 776. The alanine at codon 259 is replaced by valine, an amino acid with similar properties. This amino acid position is highly conserved in available vertebrate species. In addition, the in silico prediction for this alteration is inconclusive. Based on the available evidence, the clinical significance of this variant remains unclear.

GeneDx
Classification: Uncertain significance. Last evaluated: 2024-06-24. Review status: criteria provided, single submitter. Criteria: GeneDx Variant Classification Process June 2021. Collection method: clinical testing. Allele origin: germline. Affected: yes.
Comment: Has not been previously published as pathogenic or benign in association with an MYH7-related disorder to our knowledge; Not observed at significant frequency in large population cohorts (gnomAD); In silico analysis supports that this missense variant has a deleterious effect on protein structure/function; This variant is associated with the following publications: (PMID: 27532257, 29300372, 34542152)

NM_000257.4(MYH7):c.776C>T (p.Ala259Val)

Gene: MYH7 (myosin heavy chain 7; minus strand). Cytogenetic location: 14q11.2.
Variant type: single nucleotide variant.
Coding change: c.776C>T on transcript NM_000257.4 (MANE Select); coding-DNA position 776, C replaced by T.
Protein change: p.Ala259Val; replaces alanine 259 with valine.
Molecular consequence: missense variant.
Genome position (GRCh38, 1-based): chr14:23,431,438, G>A on the plus strand (C>T on the coding strand, the complement: MYH7 is on the minus strand). VCF-style: chr14-23431438-G-A. GRCh37 (hg19) VCF-style: chr14-23900647-G-A.
Other names: c.776C>T, p.Ala259Val (NM_001407004.1); short protein forms A259V.
Identifiers: ClinVar variation 3392621 (VCV003392621.2).